The following is an entry in ClinVar:

ClinVar aggregate classification (germline): Benign. Review status: criteria provided, multiple submitters, no conflicts (2 of 4 stars). 4 submissions from 4 submitters: Benign (4). Last evaluated 2026-01-28.

Conditions:
Hypoparathyroidism-retardation-dysmorphism syndrome (HRDS). Also called: SANJAD-SAKATI SYNDROME. Identifiers: Orphanet 2323, MedGen C1855840, MONDO:0009426, OMIM 241410.

Allele frequency attached by ClinVar (database versions not stated): gnomAD exomes 0.00076 and 0.00173; ExAC 0.00233; 1000 Genomes Project 30x 0.00671; gnomAD 0.00680 and 0.00725; 1000 Genomes Project 0.00699; ESP Exome Variant Server 0.00784; TOPMed 0.00807.
gnomAD v4.1: 2,201 of 1,614,212 alleles (0.14%); highest among the groups gnomAD compares: African/African-American, 2.5%; 25 homozygotes.

Submissions (4):

Labcorp Genetics (formerly Invitae), Labcorp
Classification: Benign. Last evaluated: 2026-01-28. Review status: criteria provided, single submitter. Criteria: Invitae Variant Classification Sherloc (09022015). Collection method: clinical testing. Allele origin: germline.

Genetic Services Laboratory, University of Chicago
Classification: Benign. Last evaluated: 2018-11-08. Review status: criteria provided, single submitter. Criteria: ACMG Guidelines, 2015. Collection method: clinical testing. Allele origin: germline. Affected: no.

Illumina Laboratory Services, Illumina
Classification: Benign for Hypoparathyroidism-retardation-dysmorphism syndrome. Last evaluated: 2018-01-13. Review status: criteria provided, single submitter. Criteria: ICSL Variant Classification Criteria 13 December 2019. Collection method: clinical testing. Allele origin: germline.
Comment: This variant was observed in the ICSL laboratory as part of a predisposition screen in an ostensibly healthy population. It had not been previously curated by ICSL or reported in the Human Gene Mutation Database (HGMD: prior to June 1st, 2018), and was therefore a candidate for classification through an automated scoring system. Utilizing variant allele frequency, disease prevalence and penetrance estimates, and inheritance mode, an automated score was calculated to assess if this variant is too frequent to cause the disease. Based on the score and internal cut-off values, a variant classified as benign is not then subjected to further curation. The score for this variant resulted in a classification of benign for this disease.

Breakthrough Genomics
Classification: Benign. Review status: criteria provided, single submitter. Criteria: ACMG Guidelines, 2015. Collection method: not provided. Allele origin: germline. Inheritance: Autosomal recessive inheritance. Affected: yes.

NM_003193.5(TBCE):c.1050A>G (p.Glu350=)

Gene: TBCE (tubulin folding cofactor E; plus strand). Cytogenetic location: 1q42.3.
Variant type: single nucleotide variant.
Coding change: c.1050A>G on transcript NM_003193.5 (MANE Select); coding-DNA position 1050, A replaced by G.
Protein change: p.Glu350=; no amino-acid change (glutamic acid 350 retained).
Molecular consequence: synonymous variant.
Genome position (GRCh38, 1-based): chr1:235,437,408, A>G. VCF-style: chr1-235437408-A-G. GRCh37 (hg19) VCF-style: chr1-235600723-A-G.
Other names: c.1050A>G, p.Glu350= (NM_001079515.3); c.1203A>G, p.Glu401= (NM_001287801.2); c.711A>G, p.Glu237= (NM_001287802.2).
Identifiers: ClinVar variation 296304 (VCV000296304.18), dbSNP rs35663526, ClinGen allele CA1464319.